The following is an entry in ClinVar:

ClinVar aggregate classification (germline): Uncertain significance (1 of 4 stars; one submission).

Conditions:
Cardiovascular phenotype. Identifiers: MedGen CN230736.

Submission:

Ambry Genetics
Classification: Uncertain significance for Cardiovascular phenotype. Last evaluated: 2023-09-14. Review status: criteria provided, single submitter. Criteria: Ambry Variant Classification Scheme 2023. Collection method: clinical testing. Allele origin: germline.
Comment: The p.H3178R variant (also known as c.9533A>G), located in coding exon 67 of the RYR2 gene, results from an A to G substitution at nucleotide position 9533. The histidine at codon 3178 is replaced by arginine, an amino acid with highly similar properties. This amino acid position is well conserved in available vertebrate species. In addition, the in silico prediction for this alteration is inconclusive. Since supporting evidence is limited at this time, the clinical significance of this alteration remains unclear.

NM_001035.3(RYR2):c.9533A>G (p.His3178Arg)

Gene: RYR2 (ryanodine receptor 2; plus strand). Cytogenetic location: 1q43.
Variant type: single nucleotide variant.
Coding change: c.9533A>G on transcript NM_001035.3 (MANE Select); coding-DNA position 9533, A replaced by G.
Protein change: p.His3178Arg; replaces histidine 3178 with arginine.
Molecular consequence: missense variant.
Genome position (GRCh38, 1-based): chr1:237,705,296, A>G. VCF-style: chr1-237705296-A-G. GRCh37 (hg19) VCF-style: chr1-237868596-A-G.
Other names: short protein forms H3178R.
Identifiers: ClinVar variation 2587842 (VCV002587842.2), dbSNP rs2547390630, ClinGen allele CA345407757.